The following is an entry in ClinVar:

ClinVar aggregate classification (germline): Uncertain significance. Review status: criteria provided, multiple submitters, no conflicts (2 of 4 stars). 3 submissions from 3 submitters: Uncertain significance (2). 1 of the submissions does not count toward it. Last evaluated 2022-03-15.

Conditions:
Nemaline myopathy 2 (NEM2). Also called: Nemaline myopathy 2, autosomal recessive. Identifiers: MedGen C1850569, MONDO:0009725, OMIM 256030.

Allele frequency attached by ClinVar (database versions not stated): gnomAD exomes below 0.00001; gnomAD 0.00001; TOPMed 0.00001.
gnomAD v4.1: 3 of 1,613,492 alleles (0.00019%); highest among the groups gnomAD compares: Non-Finnish European, 0.00017%; no homozygotes.

Submissions (3):

Revvity Omics, Revvity
Classification: Uncertain significance. Last evaluated: 2022-03-15. Review status: criteria provided, single submitter. Criteria: ACMG Guidelines, 2015. Collection method: clinical testing. Allele origin: germline.

Labcorp Genetics (formerly Invitae), Labcorp
Classification: Uncertain significance for Nemaline myopathy 2. Last evaluated: 2021-09-17. Review status: criteria provided, single submitter. Criteria: Invitae Variant Classification Sherloc (09022015). Collection method: clinical testing. Allele origin: germline.
Comment: This sequence change replaces methionine with threonine at codon 7232 of the NEB protein (p.Met7232Thr). The methionine residue is moderately conserved and there is a moderate physicochemical difference between methionine and threonine. This variant is not present in population databases (ExAC no frequency). This variant has not been reported in the literature in individuals with NEB-related conditions. Algorithms developed to predict the effect of missense changes on protein structure and function are either unavailable or do not agree on the potential impact of this missense change (SIFT: "Deleterious"; PolyPhen-2: "Not Available"; Align-GVGD: "Class C0"). In summary, the available evidence is currently insufficient to determine the role of this variant in disease. Therefore, it has been classified as a Variant of Uncertain Significance.

Natera, Inc.
Classification: Uncertain significance for Nemaline myopathy type 2. Last evaluated: 2025-01-19. Review status: no assertion criteria provided. Collection method: clinical testing. Allele origin: germline. Not counted in ClinVar's aggregate classification.

NM_001164508.2(NEB):c.21590T>C (p.Met7197Thr)

Genes: NEB (nebulin; minus strand), RIF1 (replication timing regulatory factor 1; plus strand). Cytogenetic location: 2q23.3.
Variant type: single nucleotide variant.
Coding change: c.21590T>C on transcript NM_001164508.2 (MANE Select); coding-DNA position 21590, T replaced by C.
Protein change: p.Met7197Thr; replaces methionine 7197 with threonine.
Molecular consequence: missense variant.
Genome position (GRCh38, 1-based): chr2:151,531,034, A>G on the plus strand (T>C on the coding strand, the complement: NEB is on the minus strand). VCF-style: chr2-151531034-A-G. GRCh37 (hg19) VCF-style: chr2-152387548-A-G.
Other names: c.21695T>C (NM_001271208.1); c.21590T>C, p.Met7197Thr (NM_001164507.2); c.21695T>C, p.Met7232Thr (NM_001271208.2); c.16487T>C, p.Met5496Thr (NM_004543.5); short protein forms M5496T, M7197T, M7232T.
Identifiers: ClinVar variation 1491192 (VCV001491192.8), dbSNP rs1229421352, ClinGen allele CA348770252.